The following is an entry in ClinVar:

NM_194248.3(OTOF):c.1927G>A (p.Glu643Lys)

Gene: OTOF (otoferlin; minus strand). Cytogenetic location: 2p23.3.
Variant type: single nucleotide variant.
Coding change: c.1927G>A on transcript NM_194248.3 (MANE Select); coding-DNA position 1927, G replaced by A.
Protein change: p.Glu643Lys; replaces glutamic acid 643 with lysine.
Molecular consequence: missense variant.
Genome position (GRCh38, 1-based): chr2:26,479,639, C>T on the plus strand (G>A on the coding strand, the complement: OTOF is on the minus strand). VCF-style: chr2-26479639-C-T. GRCh37 (hg19) VCF-style: chr2-26702507-C-T.
Other names: c.1927G>A, p.Glu643Lys (NM_001287489.2); short protein forms E643K.
Identifiers: ClinVar variation 2581777 (VCV002581777.2), dbSNP rs200864338, ClinGen allele CA1564119.

ClinVar aggregate classification (germline): Uncertain significance. Review status: criteria provided, single submitter (1 of 4 stars). 2 submissions from 2 submitters: Uncertain significance (1). 1 of the submissions does not count toward it. Last evaluated 2023-09-11.

Conditions:
Autosomal recessive nonsyndromic hearing loss 9. Also called: NEUROSENSORY NONSYNDROMIC RECESSIVE DEAFNESS 9; OTOF-Related Hearing Loss; Deafness, autosomal recessive 9; AUDITORY NEUROPATHY, AUTOSOMAL RECESSIVE, 1, TEMPERATURE-SENSITIVE. Identifiers: Orphanet 90636, MedGen C1832828, MONDO:0010986, OMIM 601071.

Allele frequency attached by ClinVar (database versions not stated): 1000 Genomes Project 30x 0.00016; 1000 Genomes Project 0.00020.
gnomAD v4.1: 44 of 1,612,564 alleles (0.0027%); highest among the groups gnomAD compares: East Asian, 0.0045%; no homozygotes.

Submissions (2):

GeneDx
Classification: Uncertain significance. Last evaluated: 2023-09-11. Review status: criteria provided, single submitter. Criteria: GeneDx Variant Classification Process June 2021. Collection method: clinical testing. Allele origin: germline. Affected: yes.
Comment: Reported in a patient with sensorineural hearing loss in published literature (Iwasa et al., 2019); however, clinical and molecular data are limited; Not observed at significant frequency in large population cohorts (gnomAD); In silico analysis supports that this missense variant does not alter protein structure/function; This variant is associated with the following publications: (PMID: 31095577)

Diagnosis and Treatment Center of Genetic Hearing Loss, Eye & ENT Hospital of Fudan University
Classification: VUS-low for Autosomal recessive nonsyndromic hearing loss 9. Last evaluated: 2026-02-04. Review status: no assertion criteria provided. Collection method: clinical testing. Allele origin: germline. Inheritance: Autosomal recessive inheritance. Affected: yes. Not counted in ClinVar's aggregate classification.
Comment: The c.1927G>A missense variant in OTOF has a population frequency of 0.0002 (PM2_Supporting). It was found in cis with c.5212_5214del and in trans with c.3886del (PM3). The REVEL score is 0.234 (BP4).